The following is an entry in ClinVar:

ClinVar aggregate classification (germline): Benign. Review status: criteria provided, single submitter (1 of 4 stars). 2 submissions from 2 submitters: Benign (1). 1 of the submissions does not count toward it. Last evaluated 2018-06-05.

Conditions:
HOXA10-related disorder. Also called: HOXA10-related condition.

Allele frequency attached by ClinVar (database versions not stated): gnomAD 0.00885 and 0.00832; gnomAD exomes 0.00070 and 0.00128; 1000 Genomes Project 0.01118; 1000 Genomes Project 30x 0.01156; ExAC 0.00156; TOPMed 0.00890.

Submissions (2):

Labcorp Genetics (formerly Invitae), Labcorp
Classification: Benign. Last evaluated: 2018-06-05. Review status: criteria provided, single submitter. Criteria: Invitae Variant Classification Sherloc (09022015). Collection method: clinical testing. Allele origin: germline.

PreventionGenetics, part of Exact Sciences
Classification: Likely benign for HOXA10-related condition. Last evaluated: 2019-04-01. Review status: no assertion criteria provided. Collection method: clinical testing. Allele origin: germline. Not counted in ClinVar's aggregate classification.
Comment: This variant is classified as likely benign based on ACMG/AMP sequence variant interpretation guidelines (Richards et al. 2015 PMID: 25741868, with internal and published modifications).

NM_018951.4(HOXA10):c.364C>T (p.Pro122Ser)

Genes: HOXA10 (homeobox A10; minus strand), HOXA10-HOXA9 (HOXA10-HOXA9 readthrough; minus strand). Cytogenetic location: 7p15.2.
Variant type: single nucleotide variant.
Coding change: c.364C>T on transcript NM_018951.4 (MANE Select); coding-DNA position 364, C replaced by T.
Protein change: p.Pro122Ser; replaces proline 122 with serine.
Molecular consequence: missense variant.
Genome position (GRCh38, 1-based): chr7:27,173,943, G>A on the plus strand (C>T on the coding strand, the complement: HOXA10 is on the minus strand). VCF-style: chr7-27173943-G-A. GRCh37 (hg19) VCF-style: chr7-27213562-G-A.
Other names: short protein forms P122S.
Identifiers: ClinVar variation 714346 (VCV000714346.5), dbSNP rs34720764, ClinGen allele CA4198148.